The following is an entry in ClinVar:

ClinVar aggregate classification (germline): Uncertain significance (1 of 4 stars; one submission).

Conditions:
Breast-ovarian cancer, familial, susceptibility to, 4. Identifiers: Orphanet 145, MedGen C3280345, MONDO:0013669, OMIM 614291.

Submission:

Labcorp Genetics (formerly Invitae), Labcorp
Classification: Uncertain significance for Breast-ovarian cancer, familial, susceptibility to, 4. Last evaluated: 2022-12-30. Review status: criteria provided, single submitter. Criteria: Invitae Variant Classification Sherloc (09022015). Collection method: clinical testing. Allele origin: germline.
Comment: Algorithms developed to predict the effect of missense changes on protein structure and function are either unavailable or do not agree on the potential impact of this missense change (SIFT: "Deleterious"; PolyPhen-2: "Probably Damaging"; Align-GVGD: "Class C0"). This variant has not been reported in the literature in individuals affected with RAD51D-related conditions. This variant is not present in population databases (gnomAD no frequency). This sequence change replaces alanine, which is neutral and non-polar, with proline, which is neutral and non-polar, at codon 163 of the RAD51D protein (p.Ala163Pro). In summary, the available evidence is currently insufficient to determine the role of this variant in disease. Therefore, it has been classified as a Variant of Uncertain Significance.

NM_002878.4(RAD51D):c.487G>C (p.Ala163Pro)

Genes: RAD51L3-RFFL (RAD51L3-RFFL readthrough; minus strand), RAD51D (RAD51 paralog D; minus strand). Cytogenetic location: 17q12.
Variant type: single nucleotide variant.
Coding change: c.487G>C on transcript NM_002878.4 (MANE Select); coding-DNA position 487, G replaced by C.
Protein change: p.Ala163Pro; replaces alanine 163 with proline.
Molecular consequence: missense variant. On other transcripts: non-coding transcript variant (3).
Genome position (GRCh38, 1-based): chr17:35,106,475, C>G on the plus strand (G>C on the coding strand, the complement: RAD51D is on the minus strand). VCF-style: chr17-35106475-C-G. GRCh37 (hg19) VCF-style: chr17-33433494-C-G.
Other names: c.547G>C, p.Ala183Pro (NM_001142571.2); c.151G>C, p.Ala51Pro (NM_133629.3); short protein forms A163P, A183P, A51P.
Identifiers: ClinVar variation 2824915 (VCV002824915.3), dbSNP rs2142429681, ClinGen allele CA399089046.